The following is an entry in ClinVar:

ClinVar aggregate classification (germline): Uncertain significance. Review status: criteria provided, single submitter (1 of 4 stars). 2 submissions from 2 submitters: Uncertain significance (1). 1 of the submissions does not count toward it. Last evaluated 2022-11-10.

Conditions:
PLXNA4-related disorder. Also called: PLXNA4-related condition.

Allele frequency attached by ClinVar (database versions not stated): gnomAD exomes 0.00005; ExAC 0.00009; 1000 Genomes Project 30x 0.00031; 1000 Genomes Project 0.00040.
gnomAD v4.1: 80 of 1,614,068 alleles (0.005%); highest among the groups gnomAD compares: South Asian, 0.012%; no homozygotes.

Submissions (2):

Ambry Genetics
Classification: Uncertain significance. Last evaluated: 2022-11-10. Review status: criteria provided, single submitter. Criteria: Ambry Variant Classification Scheme 2023. Collection method: clinical testing. Allele origin: germline.

PreventionGenetics, part of Exact Sciences
Classification: Uncertain significance for PLXNA4-related condition. Last evaluated: 2024-09-24. Review status: no assertion criteria provided. Collection method: clinical testing. Allele origin: germline. Not counted in ClinVar's aggregate classification.
Comment: The PLXNA4 c.922C>T variant is predicted to result in the amino acid substitution p.Arg308Cys. To our knowledge, this variant has not been reported in the literature. This variant is reported in 0.020% of alleles in individuals of South Asian descent in gnomAD. At this time, the clinical significance of this variant is uncertain due to the absence of conclusive functional and genetic evidence.

NM_020911.2(PLXNA4):c.922C>T (p.Arg308Cys)

Gene: PLXNA4 (plexin A4; minus strand). Cytogenetic location: 7q32.3.
Variant type: single nucleotide variant.
Coding change: c.922C>T on transcript NM_020911.2 (MANE Select); coding-DNA position 922, C replaced by T.
Protein change: p.Arg308Cys; replaces arginine 308 with cysteine.
Molecular consequence: missense variant.
Genome position (GRCh38, 1-based): chr7:132,507,772, G>A on the plus strand (C>T on the coding strand, the complement: PLXNA4 is on the minus strand). VCF-style: chr7-132507772-G-A. GRCh37 (hg19) VCF-style: chr7-132192531-G-A.
Other names: c.922C>T, p.Arg308Cys (NM_001105543.2, NM_001393897.1, NM_181775.4); short protein forms R308C.
Identifiers: ClinVar variation 2410244 (VCV002410244.3), dbSNP rs564051494, ClinGen allele CA4490419.
Genomic context (GRCh38, chr7:132,507,772, plus strand): 5'-CTCCAAGGGTCCTGCCAAGCACGGCCCCCGCTTTGGACAGGTAGGCAGCCTGCAGCAGGC[G>A]GTACTCCACCCCACTGCGCTCACAGCCAATGGGCACCTCTACATAGGAGTTGAAGGCTGT-3'
Protein context (NP_065962.1, residues 298-318): IGCERSGVEY[Arg308Cys]LLQAAYLSKA